The following is an entry in ClinVar:

ClinVar aggregate classification (germline): Uncertain significance. Review status: criteria provided, multiple submitters, no conflicts (2 of 4 stars). 5 submissions from 5 submitters: Uncertain significance (4). 1 of the submissions does not count toward it. Last evaluated 2022-07-07.

Conditions:
Hereditary fructosuria. Also called: ALDOB DEFICIENCY; ALDOLASE B DEFICIENCY; FRUCTOSE-1,6-BISPHOSPHATE ALDOLASE B DEFICIENCY; FRUCTOSE-1-PHOSPHATE ALDOLASE DEFICIENCY; FRUCTOSEMIA; Hereditary fructose intolerance. Identifiers: Orphanet 469, MedGen C0016751, MONDO:0009249, OMIM 229600, HP:0005973. Disease mechanism: loss of function.

Allele frequency attached by ClinVar (database versions not stated): TOPMed 0.00007.
gnomAD v4.1: 97 of 1,614,058 alleles (0.006%); highest among the groups gnomAD compares: Admixed American, 0.033%; no homozygotes.

Submissions (5):

Labcorp Genetics (formerly Invitae), Labcorp
Classification: Uncertain significance for Hereditary fructosuria. Last evaluated: 2022-07-07. Review status: criteria provided, single submitter. Criteria: Invitae Variant Classification Sherloc (09022015). Collection method: clinical testing. Allele origin: germline.
Comment: This sequence change replaces isoleucine, which is neutral and non-polar, with leucine, which is neutral and non-polar, at codon 177 of the ALDOB protein (p.Ile177Leu). This variant is present in population databases (rs139442303, gnomAD 0.04%). This variant has not been reported in the literature in individuals affected with ALDOB-related conditions. ClinVar contains an entry for this variant (Variation ID: 596564). Algorithms developed to predict the effect of missense changes on protein structure and function are either unavailable or do not agree on the potential impact of this missense change (SIFT: "Deleterious"; PolyPhen-2: "Benign"; Align-GVGD: "Class C0"). In summary, the available evidence is currently insufficient to determine the role of this variant in disease. Therefore, it has been classified as a Variant of Uncertain Significance.

Fulgent Genetics
Classification: Uncertain significance for Hereditary fructosuria. Last evaluated: 2021-11-05. Review status: criteria provided, single submitter. Criteria: ACMG Guidelines, 2015. Collection method: clinical testing. Allele origin: unknown.

Women's Health and Genetics/Laboratory Corporation of America, LabCorp
Classification: Uncertain significance. Last evaluated: 2018-08-31. Review status: criteria provided, single submitter. Criteria: LabCorp Variant Classification Summary - May 2015. Collection method: clinical testing. Allele origin: germline.
Comment: Variant summary: ALDOB c.529A>C (p.Ile177Leu) results in a conservative amino acid change in the encoded protein sequence. Three of five in-silico tools predict a damaging effect of the variant on protein function. The variant allele was found at a frequency of 8.3e-05 in 276598 control chromosomes (gnomAD). This frequency is not significantly higher than expected for a pathogenic variant in ALDOB causing Hereditary Fructose Intolerance (8.3e-05 vs 0.0045), allowing no conclusion about variant significance. c.529A>C has been reported in the literature in an individual presenting with an asymptomatic phenotype (Guo_2015). This report does not provide an unequivocal conclusion about association of the variant with Hereditary Fructose Intolerance. To our knowledge, no experimental evidence demonstrating an impact on protein function has been reported. No clinical diagnostic laboratories have submitted clinical-significance assessments for this variant to ClinVar after 2014. Based on the evidence outlined above, the variant was classified as uncertain significance.

Eurofins Ntd Llc (ga)
Classification: Uncertain significance. Last evaluated: 2018-03-20. Review status: criteria provided, single submitter. Criteria: EGL ClinVar v180209 classification definitions. Collection method: clinical testing. Allele origin: germline. Observed: 1 variant allele, 1 heterozygote.

Natera, Inc.
Classification: Uncertain significance for Fructose intolerance. Last evaluated: 2020-01-30. Review status: no assertion criteria provided. Collection method: clinical testing. Allele origin: germline. Not counted in ClinVar's aggregate classification.

Literature cited by the submitters: PubMed 26283345 (cited by Women's Health and Genetics/Laboratory Corporation of America, LabCorp).

NM_000035.4(ALDOB):c.529A>C (p.Ile177Leu)

Gene: ALDOB (aldolase, fructose-bisphosphate B; minus strand). Cytogenetic location: 9q31.1.
Variant type: single nucleotide variant.
Coding change: c.529A>C on transcript NM_000035.4 (MANE Select); coding-DNA position 529, A replaced by C.
Protein change: p.Ile177Leu; replaces isoleucine 177 with leucine.
Molecular consequence: missense variant.
Genome position (GRCh38, 1-based): chr9:101,427,493, T>G on the plus strand (A>C on the coding strand, the complement: ALDOB is on the minus strand). VCF-style: chr9-101427493-T-G. GRCh37 (hg19) VCF-style: chr9-104189775-T-G.
Other names: c.529A>C, p.Ile177Leu (LRG_1244t1); short protein forms I177L.
Identifiers: ClinVar variation 596564 (VCV000596564.8), dbSNP rs139442303, ClinGen allele CA5161569.